The following is an entry in ClinVar:

ClinVar aggregate classification (germline): Uncertain significance (1 of 4 stars; one submission).

Submission:

CeGaT Center for Human Genetics Tuebingen
Classification: Uncertain significance. Last evaluated: 2026-08-01. Review status: criteria provided, single submitter. Criteria: CeGaT Center For Human Genetics Tuebingen Variant Classification Criteria Version 2. Collection method: clinical testing. Allele origin: germline. Affected: yes. Observed: 1 variant allele.
Comment: TTN: PM2, BP4

NM_001267550.2(TTN):c.11311+2509A>G

Gene: TTN (titin; minus strand). Cytogenetic location: 2q31.2.
Variant type: single nucleotide variant.
Coding change: c.11311+2509A>G on transcript NM_001267550.2 (MANE Select); 2509 bases into the intron after coding-DNA position 11311, A replaced by G.
Molecular consequence: intron variant. On other transcripts: missense variant (1).
Genome position (GRCh38, 1-based): chr2:178,750,615, T>C on the plus strand (A>G on the coding strand, the complement: TTN is on the minus strand). VCF-style: chr2-178750615-T-C. GRCh37 (hg19) VCF-style: chr2-179615342-T-C.
Other names: c.11785A>G, p.Arg3929Gly (NM_133379.5); c.10222+2509A>G (NM_003319.4); c.10798+2509A>G (NM_133437.4); c.10597+2509A>G (NM_133432.3); c.10360+2509A>G (NM_133378.4, NM_001256850.1); short protein forms R3929G.
Identifiers: ClinVar variation 5039442 (VCV005039442.1).